The following is an entry in ClinVar:

ClinVar aggregate classification (germline): Conflicting classifications of pathogenicity. Review status: criteria provided, conflicting classifications (1 of 4 stars). 2 submissions from 2 submitters: Likely pathogenic (1); Uncertain significance (1). Last evaluated 2021-09-21.

Conditions:
Bethlem myopathy 1A. Also called: Bethlem Muscular Dystrophy; MYOPATHY, BENIGN CONGENITAL, WITH CONTRACTURES; Bethlem myopathy 1. Identifiers: Orphanet 610, MedGen CN029274, MONDO:0024530, OMIM 158810.

Submissions (2):

Labcorp Genetics (formerly Invitae), Labcorp
Classification: Likely pathogenic for Bethlem myopathy 1A. Last evaluated: 2021-09-21. Review status: criteria provided, single submitter. Criteria: Invitae Variant Classification Sherloc (09022015). Collection method: clinical testing. Allele origin: germline.
Comment: In summary, the currently available evidence indicates that the variant is pathogenic, but additional data are needed to prove that conclusively. Therefore, this variant has been classified as Likely Pathogenic. This variant disrupts the c.1056+5 nucleotide in the COL6A1 gene. Other variant(s) that disrupt this nucleotide have been determined to be pathogenic (PMID: 29419890). This suggests that this nucleotide is clinically significant, and that variants that disrupt this position are likely to be disease-causing. Variants that disrupt the consensus splice site are a relatively common cause of aberrant splicing (PMID: 17576681, 9536098). Algorithms developed to predict the effect of sequence changes on RNA splicing suggest that this variant may disrupt the consensus splice site. ClinVar contains an entry for this variant (Variation ID: 290623). This variant has been observed in individuals with clinical features of type VI collagenopathies (PMID: 24271325; Invitae). This variant is not present in population databases (ExAC no frequency). This sequence change falls in intron 14 of the COL6A1 gene. It does not directly change the encoded amino acid sequence of the COL6A1 protein. It affects a nucleotide within the consensus splice site of the intron.

Eurofins Ntd Llc (ga)
Classification: Uncertain significance. Last evaluated: 2016-09-02. Review status: criteria provided, single submitter. Criteria: EGL Classification Definitions 2015. Collection method: clinical testing. Allele origin: germline. Observed: 3 variant alleles, 3 heterozygotes.

Literature cited by the submitters: PubMed 29419890 (cited by Labcorp Genetics (formerly Invitae), Labcorp); PubMed 17576681 (cited by Labcorp Genetics (formerly Invitae), Labcorp); PubMed 9536098 (cited by Labcorp Genetics (formerly Invitae), Labcorp); PubMed 24271325 (cited by Labcorp Genetics (formerly Invitae), Labcorp).

NM_001848.3(COL6A1):c.1056+5G>T

Gene: COL6A1 (collagen type VI alpha 1 chain; plus strand). Cytogenetic location: 21q22.3.
Variant type: single nucleotide variant.
Coding change: c.1056+5G>T on transcript NM_001848.3 (MANE Select); 5 bases into the intron after coding-DNA position 1056, G replaced by T.
Molecular consequence: intron variant.
Genome position (GRCh38, 1-based): chr21:45,990,831, G>T. VCF-style: chr21-45990831-G-T. GRCh37 (hg19) VCF-style: chr21-47410745-G-T.
Identifiers: ClinVar variation 290623 (VCV000290623.10), dbSNP rs886044511, ClinGen allele CA10606851.
Genomic context (GRCh38, chr21:45,990,831, plus strand): 5'-AGGGGGAGATGGGGTACCCAGGCCTGCCAGGCTGCAAGGGCTCGCCCGGGTTTGACGTAA[G>T]TCACTTCCTCTCACTGATACTTTAAAACTAGCGCTGTCAGCAGCACCTCGTGTGGACCGT-3'